The following is an entry in ClinVar:

NM_004006.3(DMD):c.8778G>C (p.Gln2926His)

Gene: DMD (dystrophin; minus strand). Cytogenetic location: Xp21.2.
Variant type: single nucleotide variant.
Coding change: c.8778G>C on transcript NM_004006.3 (MANE Select); coding-DNA position 8778, G replaced by C.
Protein change: p.Gln2926His; replaces glutamine 2926 with histidine.
Molecular consequence: missense variant.
Genome position (GRCh38, 1-based): chrX:31,478,265, C>G on the plus strand (G>C on the coding strand, the complement: DMD is on the minus strand). VCF-style: chrX-31478265-C-G. GRCh37 (hg19) VCF-style: chrX-31496382-C-G.
Other names: c.8754G>C, p.Gln2918His (NM_000109.4); c.8766G>C, p.Gln2922His (NM_004009.3); c.8409G>C, p.Gln2803His (NM_004010.3); c.4755G>C, p.Gln1585His (NM_004011.4); c.4746G>C, p.Gln1582His (NM_004012.4); c.1398G>C, p.Gln466His (NM_004013.3, NM_004020.4, NM_004021.3 and 2 more transcripts); c.591G>C, p.Gln197His (NM_004014.3); short protein forms Q1582H, Q2803H, Q2918H, Q2922H, Q2926H, Q466H, Q1585H, Q197H.
Identifiers: ClinVar variation 1985520 (VCV001985520.5), dbSNP rs1432714005, ClinGen allele CA412654177.

ClinVar aggregate classification (germline): Uncertain significance. Review status: criteria provided, multiple submitters, no conflicts (2 of 4 stars). 3 submissions from 3 submitters: Uncertain significance (3). Last evaluated 2026-01-28.

Conditions:
Duchenne muscular dystrophy (DMD). Also called: MUSCULAR DYSTROPHY, PSEUDOHYPERTROPHIC PROGRESSIVE, DUCHENNE TYPE; Duchenne Muscular Dystrophy (DMD). Identifiers: Orphanet 98896, MedGen C0013264, MONDO:0010679, OMIM 310200.
Cardiovascular phenotype. Identifiers: MedGen CN230736.

Allele frequency attached by ClinVar (database versions not stated): gnomAD exomes 0.00001.
gnomAD v4.1: 5 of 1,211,557 alleles (0.00041%); highest among the groups gnomAD compares: East Asian, 0.0059%; no homozygotes.

Submissions (3):

Women's Health and Genetics/Laboratory Corporation of America, LabCorp
Classification: Uncertain significance. Last evaluated: 2026-01-28. Review status: criteria provided, single submitter. Criteria: LabCorp Variant Classification Summary - May 2015. Collection method: clinical testing. Allele origin: germline.
Comment: Variant summary: DMD c.8778G>C (p.Gln2926His) results in a non-conservative amino acid change in the encoded protein sequence. Algorithms developed to predict the effect of missense changes on protein structure and function are either unavailable or do not agree on the potential impact of this missense change. The variant allele was found at a frequency of 1.1e-05 in 183346 control chromosomes. The available data on variant occurrences in the general population are insufficient to allow any conclusion about variant significance. To our knowledge, no occurrence of c.8778G>C in individuals affected with DMD-related conditions and no experimental evidence demonstrating its impact on protein function have been reported. ClinVar contains an entry for this variant (Variation ID: 1985520). Based on the evidence outlined above, the variant was classified as uncertain significance.

Ambry Genetics
Classification: Uncertain significance for Cardiovascular phenotype. Last evaluated: 2024-10-15. Review status: criteria provided, single submitter. Criteria: Ambry Variant Classification Scheme 2023. Collection method: clinical testing. Allele origin: germline.
Comment: The p.Q2926H variant (also known as c.8778G>C), located in coding exon 59 of the DMD gene, results from a G to C substitution at nucleotide position 8778. The glutamine at codon 2926 is replaced by histidine, an amino acid with highly similar properties. Based on data from gnomAD, the C allele has an overall frequency of 0.0011% (2/183346) total alleles studied, with 0 hemizygote(s) observed. The highest observed frequency was 0.0072% (1/13847) of East Asian alleles. This amino acid position is highly conserved in available vertebrate species. In addition, this alteration is predicted to be tolerated by in silico analysis. Based on the available evidence, the clinical significance of this variant remains unclear.

Labcorp Genetics (formerly Invitae), Labcorp
Classification: Uncertain significance for Duchenne muscular dystrophy. Last evaluated: 2024-03-25. Review status: criteria provided, single submitter. Criteria: Invitae Variant Classification Sherloc (09022015). Collection method: clinical testing. Allele origin: germline.
Comment: This sequence change replaces glutamine, which is neutral and polar, with histidine, which is basic and polar, at codon 2926 of the DMD protein (p.Gln2926His). This variant is present in population databases (no rsID available, gnomAD no frequency). This variant has not been reported in the literature in individuals affected with DMD-related conditions. ClinVar contains an entry for this variant (Variation ID: 1985520). Advanced modeling of protein sequence and biophysical properties (such as structural, functional, and spatial information, amino acid conservation, physicochemical variation, residue mobility, and thermodynamic stability) performed at Invitae indicates that this missense variant is not expected to disrupt DMD protein function with a negative predictive value of 95%. In summary, the available evidence is currently insufficient to determine the role of this variant in disease. Therefore, it has been classified as a Variant of Uncertain Significance.